The following is an entry in ClinVar:

ClinVar aggregate classification (germline): Uncertain significance (1 of 4 stars; one submission).

Conditions:
Hereditary cancer-predisposing syndrome. Also called: Tumor predisposition; Hereditary Cancer Syndrome; Neoplastic Syndromes, Hereditary; Hereditary neoplastic syndrome. Identifiers: Orphanet 140162, MedGen C0027672, MeSH D009386, MONDO:0015356.

Submission:

Ambry Genetics
Classification: Uncertain significance for Hereditary cancer-predisposing syndrome. Last evaluated: 2018-05-30. Review status: criteria provided, single submitter. Criteria: Ambry Variant Classification Scheme 2023. Collection method: clinical testing. Allele origin: germline.
Comment: The p.A90S variant (also known as c.268G>T), located in coding exon 3 of the BARD1 gene, results from a G to T substitution at nucleotide position 268. The alanine at codon 90 is replaced by serine, an amino acid with similar properties. This amino acid position is highly conserved in available vertebrate species. In addition, this alteration is predicted to be tolerated by in silico analysis. Since supporting evidence is limited at this time, the clinical significance of this alteration remains unclear.

NM_000465.4(BARD1):c.268G>T (p.Ala90Ser)

Gene: BARD1 (BRCA1 associated RING domain 1; minus strand). Cytogenetic location: 2q35.
Variant type: single nucleotide variant.
Coding change: c.268G>T on transcript NM_000465.4 (MANE Select); coding-DNA position 268, G replaced by T.
Protein change: p.Ala90Ser; replaces alanine 90 with serine.
Molecular consequence: missense variant. On other transcripts: non-coding transcript variant (1), intron variant (2).
Genome position (GRCh38, 1-based): chr2:214,792,393, C>A on the plus strand (G>T on the coding strand, the complement: BARD1 is on the minus strand). VCF-style: chr2-214792393-C-A. GRCh37 (hg19) VCF-style: chr2-215657117-C-A.
Other names: c.211G>T, p.Ala71Ser (NM_001282543.2); c.268G>T, p.Ala90Ser (NM_001282549.2); c.158+17019G>T (NM_001282548.2); c.215+4668G>T (NM_001282545.2); short protein forms A71S, A90S.
Identifiers: ClinVar variation 821676 (VCV000821676.4), dbSNP rs1574839792, ClinGen allele CA350461139.